The following is an entry in ClinVar:

NM_000038.6(APC):c.396A>C (p.Gly132=)

Gene: APC (APC regulator of Wnt signaling pathway; plus strand). Cytogenetic location: 5q22.2.
Variant type: single nucleotide variant.
Coding change: c.396A>C on transcript NM_000038.6 (MANE Select); coding-DNA position 396, A replaced by C.
Protein change: p.Gly132=; no amino-acid change (glycine 132 retained).
Molecular consequence: synonymous variant. On other transcripts: 5 prime UTR variant (1).
Genome position (GRCh38, 1-based): chr5:112,767,364, A>C. VCF-style: chr5-112767364-A-C. GRCh37 (hg19) VCF-style: chr5-112103061-A-C.
Other names: c.396A>C, p.Gly132= (NM_001127510.3, NM_001354895.2, NM_001354896.2 and 2 more transcripts); c.426A>C, p.Gly142= (NM_001127511.3, NM_001354897.2, NM_001354902.2); c.321A>C, p.Gly107= (NM_001354898.2, NM_001354904.2); c.219A>C, p.Gly73= (NM_001354900.2, NM_001354901.2, NM_001354905.2); c.-640A>C (NM_001354906.2).
Identifiers: ClinVar variation 416745 (VCV000416745.13), dbSNP rs1060504884, ClinGen allele CA16611554.

ClinVar aggregate classification (germline): Benign/Likely benign. Review status: criteria provided, multiple submitters, no conflicts (2 of 4 stars). 4 submissions from 4 submitters: Benign (1); Likely benign (3). Last evaluated 2024-12-30.

Conditions:
Hereditary cancer-predisposing syndrome. Also called: Tumor predisposition; Neoplastic Syndromes, Hereditary; Hereditary neoplastic syndrome; Hereditary Cancer Syndrome. Identifiers: Orphanet 140162, MedGen C0027672, MeSH D009386, MONDO:0015356.
Familial adenomatous polyposis 1 (FAP1). Also called: FAMILIAL ADENOMATOUS POLYPOSIS 1, ATTENUATED; POLYPOSIS, ADENOMATOUS INTESTINAL. Identifiers: MedGen C2713442, MONDO:0021056, OMIM 175100. Disease mechanism: loss of function.

Allele frequency attached by ClinVar (database versions not stated): gnomAD exomes below 0.00001; TOPMed below 0.00001.
gnomAD v4.1: 1 of 1,614,078 alleles (0.000062%); highest among the groups gnomAD compares: Non-Finnish European, 0.000085%; no homozygotes.

Submissions (4):

Labcorp Genetics (formerly Invitae), Labcorp
Classification: Likely benign for Familial adenomatous polyposis 1. Last evaluated: 2024-12-30. Review status: criteria provided, single submitter. Criteria: Invitae Variant Classification Sherloc (09022015). Collection method: clinical testing. Allele origin: germline.

Color Diagnostics, LLC DBA Color Health
Classification: Likely benign for Hereditary cancer-predisposing syndrome. Last evaluated: 2024-03-18. Review status: criteria provided, single submitter. Criteria: ACMG Guidelines, 2015. Collection method: clinical testing. Allele origin: germline.

Myriad Genetics, Inc.
Classification: Benign for Familial adenomatous polyposis 1. Last evaluated: 2024-02-23. Review status: criteria provided, single submitter. Criteria: Myriad Autosomal Dominant, Autosomal Recessive and X-Linked Classification Criteria (2023). Collection method: clinical testing. Allele origin: unknown.
Comment: This variant is considered benign. This variant is a silent/synonymous amino acid change and it is not expected to impact splicing.

Ambry Genetics
Classification: Likely benign for Hereditary cancer-predisposing syndrome. Last evaluated: 2023-12-04. Review status: criteria provided, single submitter. Criteria: Ambry Variant Classification Scheme 2023. Collection method: clinical testing. Allele origin: germline.